The following is an entry in ClinVar:

ClinVar aggregate classification (germline): Uncertain significance (1 of 4 stars; one submission).

Submission:

GeneDx
Classification: Uncertain significance. Last evaluated: 2025-06-13. Review status: criteria provided, single submitter. Criteria: GeneDx Variant Classification Process June 2021. Collection method: clinical testing. Allele origin: germline. Affected: yes.
Comment: Not observed at significant frequency in large population cohorts (gnomAD); In silico analysis suggests that this missense variant does not alter protein structure/function; Has not been previously published as pathogenic or benign to our knowledge

NM_005909.5(MAP1B):c.3463C>T (p.Pro1155Ser)

Gene: MAP1B (microtubule associated protein 1B; plus strand). Cytogenetic location: 5q13.2.
Variant type: single nucleotide variant.
Coding change: c.3463C>T on transcript NM_005909.5 (MANE Select); coding-DNA position 3463, C replaced by T.
Protein change: p.Pro1155Ser; replaces proline 1155 with serine.
Molecular consequence: missense variant.
Genome position (GRCh38, 1-based): chr5:72,196,818, C>T. VCF-style: chr5-72196818-C-T. GRCh37 (hg19) VCF-style: chr5-71492645-C-T.
Other names: c.3085C>T, p.Pro1029Ser (NM_001324255.2); short protein forms P1029S, P1155S.
Identifiers: ClinVar variation 4538663 (VCV004538663.1).
Genomic context (GRCh38, chr5:72,196,818, plus strand): 5'-GAGATGTCTACCCCTCGAGACGTGATGAGTGATGAGACCAACAATGAAGAGACGGAGTCC[C>T]CTTCTCAGGAATTCGTAAATATCACCAAATATGAATCTTCATTGTATTCTCAGGAATACT-3'
Protein context (NP_005900.2, residues 1145-1165): DETNNEETES[Pro1155Ser]SQEFVNITKY